The following is an entry in ClinVar:

ClinVar aggregate classification (germline): Uncertain significance. Review status: criteria provided, multiple submitters, no conflicts (2 of 4 stars). 2 submissions from 2 submitters: Uncertain significance (2). Last evaluated 2026-07-01.

Conditions:
Glycogen storage disease, type II (IOPD). Also called: Pompe Disease; CARDIOMEGALIA GLYCOGENICA DIFFUSA; GLYCOGENOSIS, GENERALIZED, CARDIAC FORM; GSD II; POMPE DISEASE, INFANTILE-ONSET; GLYCOGEN STORAGE DISEASE II, INFANTILE-ONSET. Identifiers: Orphanet 365, MedGen C0017921, MONDO:0009290, OMIM 232300.

gnomAD v4.1: 1 of 1,612,658 alleles (0.000062%); highest among the groups gnomAD compares: Non-Finnish European, 0.000085%; no homozygotes.

Submissions (2):

Genomenon, Inc
Classification: Uncertain significance for Glycogen storage disease, type II. Last evaluated: 2026-07-01. Review status: criteria provided, single submitter. Criteria: Genomenon Sequence Variant Interpretation Standards - Updated. Collection method: curation. Allele origin: germline.
Comment: GAA p.His612Pro (c.1835A>C) is a missense variant that changes the amino acid at codon 612 from Histidine to Proline. This variant has been reported in the compound heterozygous and/or homozygous state in an individual without a confirmed diagnosis of Pompe disease (PMID:29122469). The presence of pathogenic/likely pathogenic missense variant(s) at the same amino acid position indicates that this residue is likely important for protein function. It is absent or not present at a significant frequency in gnomAD. In silico models predict that this variant is possibly or probably damaging. In conclusion, we classify GAA p.His612Pro (c.1835A>C) as a variant of uncertain significance.

Eurofins Ntd Llc (ga)
Classification: Uncertain significance. Last evaluated: 2018-07-23. Review status: criteria provided, single submitter. Criteria: EGL ClinVar v180209 classification definitions. Collection method: clinical testing. Allele origin: germline. Observed: 1 variant allele, 1 heterozygote.

Literature cited by the submitters: PubMed 29122469 (cited by Genomenon, Inc).

NM_000152.5(GAA):c.1835A>C (p.His612Pro)

Gene: GAA (alpha glucosidase; plus strand). Cytogenetic location: 17q25.3.
Variant type: single nucleotide variant.
Coding change: c.1835A>C on transcript NM_000152.5 (MANE Select); coding-DNA position 1835, A replaced by C.
Protein change: p.His612Pro; replaces histidine 612 with proline.
Molecular consequence: missense variant.
Genome position (GRCh38, 1-based): chr17:80,112,658, A>C. VCF-style: chr17-80112658-A-C. GRCh37 (hg19) VCF-style: chr17-78086457-A-C.
Other names: c.1835A>C, p.His612Pro (NM_001079803.3, NM_001079804.3); short protein forms H612P.
Identifiers: ClinVar variation 597969 (VCV000597969.6), dbSNP rs760546238, ClinGen allele CA401369560.
Genomic context (GRCh38, chr17:80,112,658, plus strand): 5'-GGACACGCCCATTTGTGATCTCCCGCTCGACCTTTGCTGGCCACGGCCGATACGCCGGCC[A>C]CTGGACGGGGGACGTGTGGAGCTCCTGGGAGCAGCTCGCCTCCTCCGTGCCAGGTGAGCT-3'
Protein context (NP_000143.2, residues 602-622): TFAGHGRYAG[His612Pro]WTGDVWSSWE